The following is an entry in ClinVar:

NM_000219.6(KCNE1):c.359C>G (p.Thr120Arg)

Gene: KCNE1 (potassium voltage-gated channel subfamily E regulatory subunit 1; minus strand). Cytogenetic location: 21q22.12.
Variant type: single nucleotide variant.
Coding change: c.359C>G on transcript NM_000219.6 (MANE Select); coding-DNA position 359, C replaced by G.
Protein change: p.Thr120Arg; replaces threonine 120 with arginine.
Molecular consequence: missense variant.
Genome position (GRCh38, 1-based): chr21:34,449,276, G>C on the plus strand (C>G on the coding strand, the complement: KCNE1 is on the minus strand). VCF-style: chr21-34449276-G-C. GRCh37 (hg19) VCF-style: chr21-35821574-G-C.
Other names: c.359C>G, p.Thr120Arg (NM_001127668.4, NM_001127669.4, NM_001127670.4 and 4 more transcripts); short protein forms T120R.
Identifiers: ClinVar variation 3373808 (VCV003373808.2).

Conditions:
Long QT syndrome 5 (LQT5). Identifiers: Orphanet 101016, Orphanet 768, MedGen C1867904, MONDO:0013372, OMIM 613695.

Submission:

Roden Lab, Vanderbilt University Medical Center
No classification provided (evidence only). Condition: Long QT syndrome 5. Review status: no classification provided. Collection method: in vitro. Allele origin: not applicable. Functional consequence: Effect on ion channel function.
ClinVar note: "not provided" was previously submitted as the classification for the variant. However, the classification appeared to be based only on an observation of functional data so it was converted to no classification on 2025-07-30.